The following is an entry in ClinVar:

ClinVar aggregate classification (germline): Uncertain significance (1 of 4 stars; one submission).

Allele frequency attached by ClinVar (database versions not stated): gnomAD exomes below 0.00001; TOPMed below 0.00001.

Submission:

Labcorp Genetics (formerly Invitae), Labcorp
Classification: Uncertain significance. Last evaluated: 2025-02-17. Review status: criteria provided, single submitter. Criteria: Invitae Variant Classification Sherloc (09022015). Collection method: clinical testing. Allele origin: germline.
Comment: This sequence change replaces glutamine, which is neutral and polar, with arginine, which is basic and polar, at codon 138 of the SLC46A1 protein (p.Gln138Arg). The frequency data for this variant in the population databases is considered unreliable, as metrics indicate poor data quality at this position in the gnomAD database. This variant has not been reported in the literature in individuals affected with SLC46A1-related conditions. ClinVar contains an entry for this variant (Variation ID: 1369034). Invitae Evidence Modeling of protein sequence and biophysical properties (such as structural, functional, and spatial information, amino acid conservation, physicochemical variation, residue mobility, and thermodynamic stability) indicates that this missense variant is not expected to disrupt SLC46A1 protein function with a negative predictive value of 80%. In summary, the available evidence is currently insufficient to determine the role of this variant in disease. Therefore, it has been classified as a Variant of Uncertain Significance.

NM_080669.6(SLC46A1):c.413A>G (p.Gln138Arg)

Gene: SLC46A1 (solute carrier family 46 member 1; minus strand). Cytogenetic location: 17q11.2.
Variant type: single nucleotide variant.
Coding change: c.413A>G on transcript NM_080669.6 (MANE Select); coding-DNA position 413, A replaced by G.
Protein change: p.Gln138Arg; replaces glutamine 138 with arginine.
Molecular consequence: missense variant.
Genome position (GRCh38, 1-based): chr17:28,405,284, T>C on the plus strand (A>G on the coding strand, the complement: SLC46A1 is on the minus strand). VCF-style: chr17-28405284-T-C. GRCh37 (hg19) VCF-style: chr17-26732302-T-C.
Other names: c.413A>G, p.Gln138Arg (NM_001242366.3); short protein forms Q138R.
Identifiers: ClinVar variation 1369034 (VCV001369034.4), dbSNP rs1555590886, ClinGen allele CA398351929.